The following is an entry in ClinVar:

NM_002838.5(PTPRC):c.3190C>A (p.Leu1064Met)

Gene: PTPRC (protein tyrosine phosphatase receptor type C; plus strand). Cytogenetic location: 1q32.1.
Variant type: single nucleotide variant.
Coding change: c.3190C>A on transcript NM_002838.5 (MANE Select); coding-DNA position 3190, C replaced by A.
Protein change: p.Leu1064Met; replaces leucine 1064 with methionine.
Molecular consequence: missense variant.
Genome position (GRCh38, 1-based): chr1:198,750,609, C>A. VCF-style: chr1-198750609-C-A. GRCh37 (hg19) VCF-style: chr1-198719738-C-A.
Other names: c.2707C>A, p.Leu903Met (NM_080921.4); short protein forms L903M, L1064M.
Identifiers: ClinVar variation 947011 (VCV000947011.10), dbSNP rs1558039602, ClinGen allele CA344054162.

ClinVar aggregate classification (germline): Uncertain significance (1 of 4 stars; one submission).

Conditions:
Immunodeficiency 104. Also called: SCID, AUTOSOMAL RECESSIVE, T CELL-NEGATIVE, B CELL-POSITIVE, NK CELL-POSITIVE; IMMUNODEFICIENCY 104, SEVERE COMBINED; Severe combined immunodeficiency, autosomal recessive, T cell-negative, B cell-positive, NK cell-positive; Severe Combined Immune Deficiency, Autosomal Recessive, TCell -Negative, B Cell-Positive, NK Cell-Positive, IL7R-Related. Identifiers: MedGen C5676890, MONDO:0012163, OMIM 608971.

Submission:

Labcorp Genetics (formerly Invitae), Labcorp
Classification: Uncertain significance for Immunodeficiency 104. Last evaluated: 2020-11-18. Review status: criteria provided, single submitter. Criteria: Invitae Variant Classification Sherloc (09022015). Collection method: clinical testing. Allele origin: germline.
Comment: In summary, the available evidence is currently insufficient to determine the role of this variant in disease. Therefore, it has been classified as a Variant of Uncertain Significance. Algorithms developed to predict the effect of missense changes on protein structure and function are either unavailable or do not agree on the potential impact of this missense change (SIFT: "Deleterious"; PolyPhen-2: "Probably Damaging"; Align-GVGD: "Class C0"). This variant has not been reported in the literature in individuals with PTPRC-related conditions. This variant is not present in population databases (ExAC no frequency). This sequence change replaces leucine with methionine at codon 1064 of the PTPRC protein (p.Leu1064Met). The leucine residue is highly conserved and there is a small physicochemical difference between leucine and methionine.